The following is an entry in ClinVar:

NM_004937.3(CTNS):c.739T>A (p.Phe247Ile)

Gene: CTNS (cystinosin, lysosomal cystine transporter; plus strand). Cytogenetic location: 17p13.2.
Variant type: single nucleotide variant.
Coding change: c.739T>A on transcript NM_004937.3 (MANE Select); coding-DNA position 739, T replaced by A.
Protein change: p.Phe247Ile; replaces phenylalanine 247 with isoleucine.
Molecular consequence: missense variant.
Genome position (GRCh38, 1-based): chr17:3,658,062, T>A. VCF-style: chr17-3658062-T-A. GRCh37 (hg19) VCF-style: chr17-3561356-T-A.
Other names: c.739T>A, p.Phe247Ile (NM_001031681.3, NM_001374492.1); c.298T>A, p.Phe100Ile (NM_001374493.1, NM_001374494.1, NM_001374495.1 and 1 more transcripts); short protein forms F100I, F247I.
Identifiers: ClinVar variation 4782629 (VCV004782629.1).
Genomic context (GRCh38, chr17:3,658,062, plus strand): 5'-CAGCGCGGTGGCCAGCGCGTGTCCTGGCCTGCCATCGGCTTCCTGGTGCTCGCGTGGCTC[T>A]TCGCATTTGTCACCATGATCGTGGCTGCAGTGGGAGTGACCACGTGGCTGCAGTTTCTCT-3'
Protein context (NP_004928.2, residues 237-257): AIGFLVLAWL[Phe247Ile]AFVTMIVAAV

ClinVar aggregate classification (germline): Uncertain significance (1 of 4 stars; one submission).

Conditions:
Inborn genetic diseases. Identifiers: MedGen C0950123, MeSH D030342.
Ocular cystinosis. Also called: Non-Nephropathic Cystinosis; Non-Nephropathic (Ocular) Cystinosis. Identifiers: Orphanet 213, Orphanet 411641, MedGen C2931013, MONDO:0009064, OMIM 219750.
Juvenile nephropathic cystinosis. Also called: Intermediate Cystinosis; CYSTINOSIS, LATE-ONSET JUVENILE OR ADOLESCENT NEPHROPATHIC TYPE; Later-Onset (Juvenile) Cystinosis. Identifiers: Orphanet 213, Orphanet 411634, MedGen C0268626, MONDO:0009066, OMIM 219900.

gnomAD v4.1: 2 of 1,612,180 alleles (0.00012%); highest among the groups gnomAD compares: Non-Finnish European, 0.00017%; no homozygotes.

Submission:

Labcorp Genetics (formerly Invitae), Labcorp
Classification: Uncertain significance for Inborn genetic diseases; Ocular cystinosis; Juvenile nephropathic cystinosis. Last evaluated: 2025-09-20. Review status: criteria provided, single submitter. Criteria: Invitae Variant Classification Sherloc (09022015). Collection method: clinical testing. Allele origin: germline.
Comment: This sequence change replaces phenylalanine, which is neutral and non-polar, with isoleucine, which is neutral and non-polar, at codon 247 of the CTNS protein (p.Phe247Ile). This variant is not present in population databases (gnomAD no frequency). This variant has not been reported in the literature in individuals affected with CTNS-related conditions. Invitae Evidence Modeling of protein sequence and biophysical properties (such as structural, functional, and spatial information, amino acid conservation, physicochemical variation, residue mobility, and thermodynamic stability) indicates that this missense variant is not expected to disrupt CTNS protein function with a negative predictive value of 80%. In summary, the available evidence is currently insufficient to determine the role of this variant in disease. Therefore, it has been classified as a Variant of Uncertain Significance.